The following is an entry in ClinVar:

ClinVar aggregate classification (germline): Uncertain significance. Review status: criteria provided, multiple submitters, no conflicts (2 of 4 stars). 2 submissions from 2 submitters: Uncertain significance (2). Last evaluated 2025-01-25.

Conditions:
Hereditary cancer-predisposing syndrome. Also called: Hereditary Cancer Syndrome; Tumor predisposition; Neoplastic Syndromes, Hereditary; Hereditary neoplastic syndrome. Identifiers: Orphanet 140162, MedGen C0027672, MeSH D009386, MONDO:0015356.

Submissions (2):

Ambry Genetics
Classification: Uncertain significance for Hereditary cancer-predisposing syndrome. Last evaluated: 2025-01-25. Review status: criteria provided, single submitter. Criteria: Ambry Variant Classification Scheme 2023. Collection method: clinical testing. Allele origin: germline.
Comment: The p.D985G variant (also known as c.2954A>G), located in coding exon 21 of the MSH3 gene, results from an A to G substitution at nucleotide position 2954. The aspartic acid at codon 985 is replaced by glycine, an amino acid with similar properties. This amino acid position is conserved. In addition, this alteration is predicted to be deleterious by in silico analysis. Based on the available evidence, the clinical significance of this variant remains unclear.

Labcorp Genetics (formerly Invitae), Labcorp
Classification: Uncertain significance. Last evaluated: 2024-08-05. Review status: criteria provided, single submitter. Criteria: Invitae Variant Classification Sherloc (09022015). Collection method: clinical testing. Allele origin: germline.
Comment: This sequence change replaces aspartic acid, which is acidic and polar, with glycine, which is neutral and non-polar, at codon 985 of the MSH3 protein (p.Asp985Gly). This variant is not present in population databases (gnomAD no frequency). This variant has not been reported in the literature in individuals affected with MSH3-related conditions. An algorithm developed to predict the effect of missense changes on protein structure and function (PolyPhen-2) suggests that this variant is likely to be disruptive. In summary, the available evidence is currently insufficient to determine the role of this variant in disease. Therefore, it has been classified as a Variant of Uncertain Significance.

NM_002439.5(MSH3):c.2954A>G (p.Asp985Gly)

Gene: MSH3 (mutS homolog 3; plus strand). Cytogenetic location: 5q14.1.
Variant type: single nucleotide variant.
Coding change: c.2954A>G on transcript NM_002439.5 (MANE Select); coding-DNA position 2954, A replaced by G.
Protein change: p.Asp985Gly; replaces aspartic acid 985 with glycine.
Molecular consequence: missense variant.
Genome position (GRCh38, 1-based): chr5:80,854,270, A>G. VCF-style: chr5-80854270-A-G. GRCh37 (hg19) VCF-style: chr5-80150089-A-G.
Other names: c.2954A>G (NM_002439.3); short protein forms D985G.
Identifiers: ClinVar variation 2727791 (VCV002727791.4), dbSNP rs2478771918, ClinGen allele CA360275765.